The following is an entry in ClinVar:

ClinVar aggregate classification (germline): Likely benign (1 of 4 stars; one submission).

Allele frequency attached by ClinVar (database versions not stated): 1000 Genomes Project 30x 0.00047; 1000 Genomes Project 0.00060; TOPMed 0.00175; ESP Exome Variant Server 0.00223; gnomAD exomes 0.00227; gnomAD 0.00362; ExAC 0.00365.
gnomAD v4.1: 3,825 of 1,613,752 alleles (0.24%); highest among the groups gnomAD compares: Non-Finnish European, 0.22%; 30 homozygotes.

Submission:

CeGaT Center for Human Genetics Tuebingen
Classification: Likely benign. Last evaluated: 2026-07-01. Review status: criteria provided, single submitter. Criteria: CeGaT Center For Human Genetics Tuebingen Variant Classification Criteria Version 2. Collection method: clinical testing. Allele origin: germline. Affected: yes. Observed: 46 variant alleles.
Comment: HERC2: BS2

NM_004667.6(HERC2):c.13919A>G (p.His4640Arg)

Gene: HERC2 (HECT and RLD domain containing E3 ubiquitin protein ligase 2; minus strand). Cytogenetic location: 15q13.1.
Variant type: single nucleotide variant.
Coding change: c.13919A>G on transcript NM_004667.6 (MANE Select); coding-DNA position 13919, A replaced by G.
Protein change: p.His4640Arg; replaces histidine 4640 with arginine.
Molecular consequence: missense variant.
Genome position (GRCh38, 1-based): chr15:28,113,673, T>C on the plus strand (A>G on the coding strand, the complement: HERC2 is on the minus strand). VCF-style: chr15-28113673-T-C. GRCh37 (hg19) VCF-style: chr15-28358819-T-C.
Other names: short protein forms H4640R.
Identifiers: ClinVar variation 2498604 (VCV002498604.28), dbSNP rs138725743, ClinGen allele CA7439791.